The following is an entry in ClinVar:

NM_020738.4(KIDINS220):c.3834C>T (p.Asn1278=)

Gene: KIDINS220 (kinase D interacting substrate 220; minus strand). Cytogenetic location: 2p25.1.
Variant type: single nucleotide variant.
Coding change: c.3834C>T on transcript NM_020738.4 (MANE Select); coding-DNA position 3834, C replaced by T.
Protein change: p.Asn1278=; no amino-acid change (asparagine 1278 retained).
Molecular consequence: synonymous variant. On other transcripts: non-coding transcript variant (2).
Genome position (GRCh38, 1-based): chr2:8,733,663, G>A on the plus strand (C>T on the coding strand, the complement: KIDINS220 is on the minus strand). VCF-style: chr2-8733663-G-A. GRCh37 (hg19) VCF-style: chr2-8873793-G-A.
Other names: c.3837C>T, p.Asn1279= (NM_001348729.2); c.3780C>T, p.Asn1260= (NM_001348731.2); c.3777C>T, p.Asn1259= (NM_001348732.2, NM_001348738.2); c.3666C>T, p.Asn1222= (NM_001348734.2, NM_001348739.2, NM_001348740.2); c.3663C>T, p.Asn1221= (NM_001348735.2, NM_001348741.2, NM_001348742.2 and 1 more transcripts); c.3537C>T, p.Asn1179= (NM_001348736.2).
Identifiers: ClinVar variation 722616 (VCV000722616.35), dbSNP rs150396643, ClinGen allele CA1519501.

ClinVar aggregate classification (germline): Benign/Likely benign. Review status: criteria provided, multiple submitters, no conflicts (2 of 4 stars). 5 submissions from 5 submitters: Benign (2); Likely benign (2). 1 of the submissions does not count toward it. Last evaluated 2026-09-01.

Conditions:
KIDINS220-related disorder. Also called: KIDINS220-related condition.

Allele frequency attached by ClinVar (database versions not stated): ExAC 0.00080; 1000 Genomes Project 30x 0.00094; 1000 Genomes Project 0.00100; ESP Exome Variant Server 0.00172; gnomAD 0.00248 and 0.00268; TOPMed 0.00273.
gnomAD v4.1: 846 of 1,578,030 alleles (0.054%); highest among the groups gnomAD compares: African/African-American, 0.78%; 5 homozygotes.

Submissions (5):

CeGaT Center for Human Genetics Tuebingen
Classification: Likely benign. Last evaluated: 2026-09-01. Review status: criteria provided, single submitter. Criteria: CeGaT Center For Human Genetics Tuebingen Variant Classification Criteria Version 2. Collection method: clinical testing. Allele origin: germline. Affected: yes. Observed: 2 variant alleles.
Comment: KIDINS220: BP4, BP7

Labcorp Genetics (formerly Invitae), Labcorp
Classification: Benign. Last evaluated: 2026-02-01. Review status: criteria provided, single submitter. Criteria: Invitae Variant Classification Sherloc (09022015). Collection method: clinical testing. Allele origin: germline.

Blueprint Genetics
Classification: Likely benign. Last evaluated: 2024-11-25. Review status: criteria provided, single submitter. Criteria: ACMG Guidelines, 2015. Collection method: clinical testing. Allele origin: germline.

Breakthrough Genomics
Classification: Benign. Review status: criteria provided, single submitter. Criteria: ACMG Guidelines, 2015. Collection method: not provided. Allele origin: germline. Inheritance: Autosomal recessive inheritance. Affected: yes.

PreventionGenetics, part of Exact Sciences
Classification: Benign for KIDINS220-related condition. Last evaluated: 2024-03-05. Review status: no assertion criteria provided. Collection method: clinical testing. Allele origin: germline. Not counted in ClinVar's aggregate classification.
Comment: This variant is classified as benign based on ACMG/AMP sequence variant interpretation guidelines (Richards et al. 2015 PMID: 25741868, with internal and published modifications).